The following is an entry in ClinVar:

NM_001035.3(RYR2):c.6811G>T (p.Gly2271Cys)

Gene: RYR2 (ryanodine receptor 2; plus strand). Cytogenetic location: 1q43.
Variant type: single nucleotide variant.
Coding change: c.6811G>T on transcript NM_001035.3 (MANE Select); coding-DNA position 6811, G replaced by T.
Protein change: p.Gly2271Cys; replaces glycine 2271 with cysteine.
Molecular consequence: missense variant.
Genome position (GRCh38, 1-based): chr1:237,638,375, G>T. VCF-style: chr1-237638375-G-T. GRCh37 (hg19) VCF-style: chr1-237801675-G-T.
Other names: p.Gly2271Cys; short protein forms G2271C.
Identifiers: ClinVar variation 1046429 (VCV001046429.16), dbSNP rs375371340, ClinGen allele CA087230.

ClinVar aggregate classification (germline): Conflicting classifications of pathogenicity. Review status: criteria provided, conflicting classifications (1 of 4 stars). 5 submissions from 5 submitters: Likely pathogenic (1); Uncertain significance (4). Last evaluated 2025-08-18.

Conditions:
Ventricular arrhythmias due to cardiac ryanodine receptor calcium release deficiency syndrome. Also called: Autosomal dominant cardiac arrhythmia (Kuhn). Identifiers: MedGen C5542154, MONDO:0020745, OMIM 115000.
Catecholaminergic polymorphic ventricular tachycardia 1. Also called: VENTRICULAR TACHYCARDIA, CATECHOLAMINERGIC POLYMORPHIC, 1, WITH OR WITHOUT ATRIAL DYSFUNCTION AND/OR DILATED CARDIOMYOPATHY; VENTRICULAR TACHYCARDIA, STRESS-INDUCED POLYMORPHIC 1; RYR2-Related Catecholaminergic Polymorphic Ventricular Tachycardia. Identifiers: Orphanet 3286, MedGen C1631597, MONDO:0011484, OMIM 604772.
Arrhythmogenic right ventricular dysplasia 2. Identifiers: MedGen C1832931.
Cardiovascular phenotype. Identifiers: MedGen CN230736.
Catecholaminergic polymorphic ventricular tachycardia (CVPT). Also called: Catecholamine-induced polymorphic ventricular tachycardia. Identifiers: Orphanet 3286, MedGen C5574922, MONDO:0017990.

Allele frequency attached by ClinVar (database versions not stated): TOPMed below 0.00001; gnomAD exomes 0.00001; ESP Exome Variant Server 0.00008.
gnomAD v4.1: 3 of 1,613,870 alleles (0.00019%); highest among the groups gnomAD compares: Non-Finnish European, 0.00025%; no homozygotes.

Submissions (5):

Ambry Genetics
Classification: Uncertain significance for Cardiovascular phenotype. Last evaluated: 2025-08-18. Review status: criteria provided, single submitter. Criteria: Ambry Variant Classification Scheme 2023. Collection method: clinical testing. Allele origin: germline.
Comment: The p.G2271C variant (also known as c.6811G>T), located in coding exon 45 of the RYR2 gene, results from a G to T substitution at nucleotide position 6811. The glycine at codon 2271 is replaced by cysteine, an amino acid with highly dissimilar properties. This alteration was reported in a whole exome sequencing cohort with limited clinical details (Landstrom AP et al. Circ Arrhythm Electrophysiol, 2017 Apr;10:[ePub ahead of print]). This amino acid position is highly conserved in available vertebrate species. In addition, this alteration is predicted to be deleterious by in silico analysis. Since supporting evidence is limited at this time, the clinical significance of this alteration remains unclear.

Medical Genetics Clinic, University of Catania
Classification: Likely pathogenic for Ventricular arrhythmias due to cardiac ryanodine receptor calcium release deficiency syndrome; Catecholaminergic polymorphic ventricular tachycardia 1. Last evaluated: 2025-04-22. Review status: criteria provided, single submitter. Criteria: ACMG Guidelines, 2015. Collection method: clinical testing. Allele origin: unknown. Inheritance: Autosomal dominant inheritance. Affected: yes. Observed: 1 heterozygote.
Comment: The c.6811G>T (rs375371340) variant of RYR2 gene replaces glycine, which is neutral and non-polar, with cysteine, which is neutral and polar, at codon 2271 of the RYR2 protein (p.Gly2271Cys). This amino acid position is highly conserved in vertebrate species. In silico analysis predict for this variant a deleterious effect on protein structure and function (PolyPhen2=Probably Damaging, Revel=0.812, CADD 32). In line of the above the c.6811G>T (p.Gly2271Cys) variant of RYR2 gene has been classified as Likely Pathogenic.

Labcorp Genetics (formerly Invitae), Labcorp
Classification: Uncertain significance for Catecholaminergic polymorphic ventricular tachycardia 1. Last evaluated: 2024-12-30. Review status: criteria provided, single submitter. Criteria: Invitae Variant Classification Sherloc (09022015). Collection method: clinical testing. Allele origin: germline.
Comment: This sequence change replaces glycine, which is neutral and non-polar, with cysteine, which is neutral and slightly polar, at codon 2271 of the RYR2 protein (p.Gly2271Cys). The frequency data for this variant in the population databases is considered unreliable, as metrics indicate poor data quality at this position in the gnomAD database. This variant has not been reported in the literature in individuals affected with RYR2-related conditions. ClinVar contains an entry for this variant (Variation ID: 1046429). Invitae Evidence Modeling of protein sequence and biophysical properties (such as structural, functional, and spatial information, amino acid conservation, physicochemical variation, residue mobility, and thermodynamic stability) has been performed for this missense variant. However, the output from this modeling did not meet the statistical confidence thresholds required to predict the impact of this variant on RYR2 protein function. In summary, the available evidence is currently insufficient to determine the role of this variant in disease. Therefore, it has been classified as a Variant of Uncertain Significance.

All of Us Research Program, National Institutes of Health
Classification: Uncertain significance for Catecholaminergic polymorphic ventricular tachycardia. Last evaluated: 2023-12-13. Review status: criteria provided, single submitter. Criteria: ACMG Guidelines, 2015. Collection method: clinical testing. Allele origin: germline. Inheritance: Autosomal dominant inheritance. Observed: 1 variant allele, 1 heterozygote.
Comment: This missense variant replaces glycine with cysteine at codon 2271 of the RYR2 protein. Computational prediction suggests that this variant may have deleterious impact on protein structure and function. To our knowledge, functional studies have not been reported for this variant. This variant has not been reported in individuals affected with RYR2-related disorders in the literature. This variant has been identified in 1/249174 chromosomes in the general population by the Genome Aggregation Database (gnomAD). The available evidence is insufficient to determine the role of this variant in disease conclusively. Therefore, this variant is classified as a Variant of Uncertain Significance.

This study involves interpretation of variants in research participants for the purpose of population health screening. Participant phenotype was not available at the time of variant classification. Additional details can be found in publication PMID: 35346344, PMCID: PMC8962531

Fulgent Genetics
Classification: Uncertain significance for Ventricular arrhythmias due to cardiac ryanodine receptor calcium release deficiency syndrome; Catecholaminergic polymorphic ventricular tachycardia 1. Last evaluated: 2021-07-18. Review status: criteria provided, single submitter. Criteria: ACMG Guidelines, 2015. Collection method: clinical testing. Allele origin: unknown.

Literature cited by the submitters: PubMed 28404607 (cited by Ambry Genetics).